The following is an entry in ClinVar:

ClinVar aggregate classification (germline): Pathogenic (1 of 4 stars; one submission).

Conditions:
Neuroocular syndrome 1 (NOC1). Identifiers: Orphanet 659904, MedGen C5925133, MONDO:0971007, OMIM 619539.

Submission:

Institute of Human Genetics, University of Leipzig Medical Center
Classification: Pathogenic for Neuroocular syndrome 1. Last evaluated: 2026-02-11. Review status: criteria provided, single submitter. Criteria: ACMG Guidelines, 2015. Collection method: clinical testing. Allele origin: unknown. Inheritance: Autosomal dominant inheritance. Affected: yes.
Comment: Criteria applied: PVS1,PM2

NM_020719.3(PRR12):c.3012_3013del (p.Glu1004fs)

Gene: PRR12 (proline rich 12; plus strand). Cytogenetic location: 19q13.33.
Variant type: Microsatellite.
Coding change: c.3012_3013del on transcript NM_020719.3 (MANE Select); coding-DNA positions 3012 to 3013, 2 bases deleted (GA; older notation c.3012_3013delGA).
Protein change: p.Glu1004fs; shifts the reading frame from glutamic acid 1004.
Molecular consequence: frameshift variant.
Genome position (GRCh38, 1-based): chr19:49,597,347-49,597,348, GA deleted; deleting any 2 consecutive bases within chr19:49,597,345-49,597,348 gives the same sequence; the c. name uses the placement nearest the transcript's 3' end. VCF-style (leftmost placement, unchanged base first): chr19-49597344-CGA-C. GRCh37 (hg19) VCF-style: chr19-50100601-CGA-C.
Other names: short protein forms E1004fs.
Identifiers: ClinVar variation 4819169 (VCV004819169.1).
Genomic context (GRCh38, chr19:49,597,344, plus strand): 5'-CCCCCCTGCTTATGATCCCTATGGGCCCTACTGTCCTGGCCGGGCGTCGGGAGCCGGGCC[CGA>C]GACACCGGGCCTGGGCCTGGACCCCAACAAACCGCCTGAACTGCCCTCCACGGTCAACGC-3'